The following is an entry in ClinVar:

ClinVar aggregate classification (germline): Likely pathogenic (1 of 4 stars; one submission).

Conditions:
Mitochondrial DNA depletion syndrome 20 (mngie type). Also called: MITOCHONDRIAL NEUROGASTROINTESTINAL ENCEPHALOMYOPATHY SYNDROME, LIG3-RELATED. Identifiers: MedGen C5676934, MONDO:0030696, OMIM 619780.

Submission:

Department of Traditional Chinese Medicine, Fujian Provincial Hospital
Classification: Likely pathogenic for Mitochondrial DNA depletion syndrome 20 (mngie type). Review status: criteria provided, single submitter. Criteria: ACMG Guidelines, 2015. Collection method: research. Allele origin: inherited.
Comment: Based on the ACMG/AMP guidelines for variant classification, the frameshift variant c.1684dup (p.Leu562ProfsTer4) in the LIG3 gene is classified as Likely Pathogenic. The evidence is as follows: PVS1: This variant is a frameshift insertion that creates a premature stop codon, which is predicted to result in a loss of normal protein function. Loss of function (LOF) is a known disease mechanism for the LIG3 gene (PMID: 33855352). PM2_Supporting: This variant is rare in the gnomAD database, indicating it is not a common benign polymorphism in the general population.

Literature cited by the submitters: PubMed 33855352.

NM_013975.4(LIG3):c.1684dup (p.Leu562fs)

Gene: LIG3 (DNA ligase 3; plus strand). Cytogenetic location: 17q12.
Variant type: Duplication.
Coding change: c.1684dup on transcript NM_013975.4 (MANE Select); coding-DNA position 1684, one base duplicated (C; older notation c.1684dupC).
Protein change: p.Leu562fs; shifts the reading frame from leucine 562.
Molecular consequence: frameshift variant.
Genome position (GRCh38, 1-based): chr17:34,996,136, C duplicated. VCF-style (leftmost placement, unchanged base first): chr17-34996135-G-GC. GRCh37 (hg19) VCF-style: chr17-33323154-G-GC.
Other names: c.1684dup, p.Leu562fs (NM_002311.5); short protein forms L562fs.
Identifiers: ClinVar variation 4819568 (VCV004819568.1).